The following is an entry in ClinVar:

NM_000709.4(BCKDHA):c.484+1G>A

Gene: BCKDHA (branched chain keto acid dehydrogenase E1 subunit alpha; plus strand). Cytogenetic location: 19q13.2.
Variant type: single nucleotide variant.
Coding change: c.484+1G>A on transcript NM_000709.4 (MANE Select); the canonical splice donor site of the intron after coding-DNA position 484, G replaced by A.
Molecular consequence: splice donor variant.
Genome position (GRCh38, 1-based): chr19:41,414,158, G>A. VCF-style: chr19-41414158-G-A. GRCh37 (hg19) VCF-style: chr19-41920063-G-A.
Other names: c.484+1G>A (NM_001164783.2).
Identifiers: ClinVar variation 1341557 (VCV001341557.1), dbSNP rs2122122667, ClinGen allele CA406008486.
Genomic context (GRCh38, chr19:41,414,158, plus strand): 5'-TGGGGAGTGCCGCCGCCCTGGACAACACGGACCTGGTGTTTGGCCAGTACCGGGAGGCAG[G>A]TACGTCTGTCCGTGGTTTGGCCCTGTGGTCCCCATTGAAGTGTACACTTTAGTTTTTCTG-3'

ClinVar aggregate classification (germline): Likely pathogenic (1 of 4 stars; one submission).

Conditions:
Maple syrup urine disease (MSUD). Identifiers: Orphanet 511, MedGen C0024776, MeSH D008375, MONDO:0009563. Disease mechanism: loss of function.

Submission:

National Newborn Screening Laboratory, Hospital Nacional de Niños
Classification: Likely pathogenic for Maple syrup urine disease type 1A. Review status: criteria provided, single submitter. Criteria: ACMG Guidelines, 2015. Collection method: clinical testing. Allele origin: inherited. Inheritance: Autosomal recessive inheritance. Affected: yes. Observed: 1 homozygote. Segregation with disease observed.
Comment: This variant is located within the ±2 bp from a splice site in the BCKDHA gene, where loss of function is a known disease mechanism. This variant is not present in population databases (gnomAD).